The following is an entry in ClinVar:

ClinVar aggregate classification (germline): Pathogenic. Review status: criteria provided, multiple submitters, no conflicts (2 of 4 stars). 3 submissions from 3 submitters: Pathogenic (3). Last evaluated 2023-05-22.

Conditions:
Hereditary cancer-predisposing syndrome. Also called: Hereditary Cancer Syndrome; Tumor predisposition; Hereditary neoplastic syndrome; Neoplastic Syndromes, Hereditary. Identifiers: Orphanet 140162, MedGen C0027672, MeSH D009386, MONDO:0015356.
Multiple endocrine neoplasia, type 1 (MEN1). Also called: MEA I; MEN I; WERMER SYNDROME; Endocrine adenomatosis multiple; MEN 1. Identifiers: Orphanet 652, MedGen C0025267, MeSH D018761, MONDO:0007540, OMIM 131100.

Submissions (3):

Labcorp Genetics (formerly Invitae), Labcorp
Classification: Pathogenic for Multiple endocrine neoplasia, type 1. Last evaluated: 2023-05-22. Review status: criteria provided, single submitter. Criteria: Invitae Variant Classification Sherloc (09022015). Collection method: clinical testing. Allele origin: germline.
Comment: This variant disrupts a region of the MEN1 protein in which other variant(s) (p.Arg516Glyfs*43) have been determined to be pathogenic (PMID: 9215689, 12112656, 12213668, 15670192, 17065424, 17853334, 23321498). This suggests that this is a clinically significant region of the protein, and that variants that disrupt it are likely to be disease-causing. ClinVar contains an entry for this variant (Variation ID: 201021). This variant has not been reported in the literature in individuals affected with MEN1-related conditions. This variant is not present in population databases (gnomAD no frequency). This sequence change creates a premature translational stop signal (p.Ser512Cysfs*48) in the MEN1 gene. While this is not anticipated to result in nonsense mediated decay, it is expected to disrupt the last 99 amino acid(s) of the MEN1 protein. For these reasons, this variant has been classified as Pathogenic.

Ambry Genetics
Classification: Pathogenic for Hereditary cancer-predisposing syndrome. Last evaluated: 2022-04-06. Review status: criteria provided, single submitter. Criteria: Ambry Variant Classification Scheme 2023. Collection method: clinical testing. Allele origin: germline.
Comment: The c.1533_1534dupGT pathogenic mutation, located in coding exon 9 of the MEN1 gene, results from a duplication of GT at nucleotide position 1533, causing a translational frameshift with a predicted alternate stop codon (p.S512Cfs*48). This alteration occurs at the 3' terminus of theMEN1 gene, is not expected to trigger nonsense-mediated mRNA decay, and impacts the last 99 amino acids of the protein. However, premature stop codons are typically deleterious in nature and the impacted region is critical for protein function (Ambry internal data). This variant is considered to be rare based on population cohorts in the Genome Aggregation Database (gnomAD). Based on the supporting evidence, this alteration is interpreted as a disease-causing mutation.

GeneDx
Classification: Pathogenic. Last evaluated: 2013-10-08. Review status: criteria provided, single submitter. Criteria: GeneDx Variant Classification (06012015). Collection method: clinical testing. Allele origin: germline. Affected: yes.
Comment: The c.1533_1534dupGT mutation in the MEN1 gene causes a frameshift starting with codon Serine 512, changes this amino acid to a Cysteine residue and creates a premature Stop codon at position 48 of the new reading frame, denoted p.Ser512CysfsX48. The normal sequence with the bases that are inserted in braces is: GTGT{GT}CAGG. This mutation is predicted to cause loss of normal protein function through protein truncation. Specifically, the last 99 residues are lost and replaced by 47 incorrect residues. Although this mutation has not been previously reported to our knowledge, its presence is consistent with a diagnosis of multiple endocrine neoplasia type 1. The variant is found in MEN1 panel(s).

Literature cited by the submitters: PubMed 9215689 (cited by Labcorp Genetics (formerly Invitae), Labcorp); PubMed 12112656 (cited by Labcorp Genetics (formerly Invitae), Labcorp); PubMed 12213668 (cited by Labcorp Genetics (formerly Invitae), Labcorp); PubMed 15670192 (cited by Labcorp Genetics (formerly Invitae), Labcorp); PubMed 17065424 (cited by Labcorp Genetics (formerly Invitae), Labcorp); PubMed 17853334 (cited by Labcorp Genetics (formerly Invitae), Labcorp); PubMed 23321498 (cited by Labcorp Genetics (formerly Invitae), Labcorp).

NM_001370259.2(MEN1):c.1533_1534dup (p.Ser512fs)

Gene: MEN1 (menin 1; minus strand). Cytogenetic location: 11q13.1.
Variant type: Microsatellite.
Coding change: c.1533_1534dup on transcript NM_001370259.2 (MANE Select); coding-DNA positions 1533 to 1534, 2 bases duplicated (GT; older notation c.1533_1534dupGT).
Protein change: p.Ser512fs; shifts the reading frame from serine 512.
Molecular consequence: frameshift variant.
Genome position (GRCh38, 1-based): chr11:64,804,633-64,804,634, AC duplicated on the plus strand (GT on the coding strand, the reverse complement: MEN1 is on the minus strand); duplicating any 2 consecutive bases within chr11:64,804,633-64,804,636 gives the same sequence; the c. name uses the placement nearest the transcript's 3' end. VCF-style (leftmost placement, unchanged base first): chr11-64804632-G-GAC. GRCh37 (hg19) VCF-style: chr11-64572104-G-GAC.
Other names: c.1533_1534dupGT (NM_130799.2); c.1548_1549dup, p.Ser517fs (NM_000244.4, NM_130800.3, NM_130801.3 and 3 more transcripts); c.1659_1660dup, p.Ser554fs (NM_001370251.2); c.1533_1534dup, p.Ser512fs (NM_001370260.2, NM_001370261.2, NM_130799.3); c.1428_1429dup, p.Ser477fs (NM_001370262.2, NM_001370263.2); short protein forms S512fs, S477fs, S517fs, S554fs.
Identifiers: ClinVar variation 201021 (VCV000201021.15), dbSNP rs794728659, ClinGen allele CA306434.
Genomic context (GRCh38, chr11:64,804,632, plus strand): 5'-CCACCTTCAGGGCCTCGGGCTGTGCCAGCGACAGTCCCAGGAGGCTTCCGGGGGGGTCCT[G>GAC]ACACTGCACCCTGGCCGGTGCCCAGGCCCTTGTCCAGTGCTGGCTTCTTGGGCGGCGGGG-3'